The following is an entry in ClinVar:

ClinVar aggregate classification (germline): Uncertain significance (1 of 4 stars; one submission).

gnomAD v4.1: 1 of 1,613,794 alleles (0.000062%); highest among the groups gnomAD compares: Non-Finnish European, 0.000085%; no homozygotes.

Submission:

Women's Health and Genetics/Laboratory Corporation of America, LabCorp
Classification: Uncertain significance. Last evaluated: 2025-10-29. Review status: criteria provided, single submitter. Criteria: LabCorp Variant Classification Summary - May 2015. Collection method: clinical testing. Allele origin: germline.
Comment: Variant summary: KMT2D c.7786C>T (p.Pro2596Ser) results in a non-conservative amino acid change in the encoded protein sequence. Algorithms developed to predict the effect of missense changes on protein structure and function are either unavailable or do not agree on the potential impact of this missense change. The variant allele was found at a frequency of 4e-06 in 247454 control chromosomes. The available data on variant occurrences in the general population are insufficient to allow any conclusion about variant significance. To our knowledge, no occurrence of c.7786C>T in individuals affected with KMT2D-related conditions and no experimental evidence demonstrating its impact on protein function have been reported. No submitters have cited clinical-significance assessments for this variant to ClinVar. Based on the evidence outlined above, the variant was classified as uncertain significance.

NM_003482.4(KMT2D):c.7786C>T (p.Pro2596Ser)

Gene: KMT2D (lysine methyltransferase 2D; minus strand). Cytogenetic location: 12q13.12.
Variant type: single nucleotide variant.
Coding change: c.7786C>T on transcript NM_003482.4 (MANE Select); coding-DNA position 7786, C replaced by T.
Protein change: p.Pro2596Ser; replaces proline 2596 with serine.
Molecular consequence: missense variant.
Genome position (GRCh38, 1-based): chr12:49,039,984, G>A on the plus strand (C>T on the coding strand, the complement: KMT2D is on the minus strand). VCF-style: chr12-49039984-G-A. GRCh37 (hg19) VCF-style: chr12-49433767-G-A.
Other names: short protein forms P2596S.
Identifiers: ClinVar variation 4687639 (VCV004687639.1).
Genomic context (GRCh38, chr12:49,039,984, plus strand): 5'-GAACCGACGGAGGGCGTAGTGGGGACAGCCCATAGCTCTCCCCTGTGGACCCGCTGCTGG[G>A]CCCCAGGGGGCTGCCCGATGGGTGGAAGTTCCCTGTGGCTACTGTGTAGTTTGTGCTTTG-3'
Protein context (NP_003473.3, residues 2586-2606): NFHPSGSPLG[Pro2596Ser]SSGSTGESYG